The following is an entry in ClinVar:

ClinVar aggregate classification (germline): Likely benign (0 of 4 stars; one submission).

Conditions:
PLXNA2-related disorder. Also called: PLXNA2-related condition.

gnomAD v4.1: 3 of 1,614,096 alleles (0.00019%); highest among the groups gnomAD compares: Non-Finnish European, 0.00025%; no homozygotes.

Submission:

PreventionGenetics, part of Exact Sciences
Classification: Likely benign for PLXNA2-related condition. Last evaluated: 2023-04-10. Review status: no assertion criteria provided. Collection method: clinical testing. Allele origin: germline.
Comment: This variant is classified as likely benign based on ACMG/AMP sequence variant interpretation guidelines (Richards et al. 2015 PMID: 25741868, with internal and published modifications).

NM_025179.4(PLXNA2):c.5226-3C>T

Gene: PLXNA2 (plexin A2; minus strand). Cytogenetic location: 1q32.2.
Variant type: single nucleotide variant.
Coding change: c.5226-3C>T on transcript NM_025179.4 (MANE Select); 3 bases into the intron before coding-DNA position 5226, C replaced by T.
Molecular consequence: intron variant.
Genome position (GRCh38, 1-based): chr1:208,029,045, G>A on the plus strand (C>T on the coding strand, the complement: PLXNA2 is on the minus strand). VCF-style: chr1-208029045-G-A. GRCh37 (hg19) VCF-style: chr1-208202390-G-A.
Identifiers: ClinVar variation 3356828 (VCV003356828.1).